The following is an entry in ClinVar:

NM_005591.4(MRE11):c.1607C>G (p.Ser536Cys)

Gene: MRE11 (MRE11 double strand break repair nuclease; minus strand). Cytogenetic location: 11q21.
Variant type: single nucleotide variant.
Coding change: c.1607C>G on transcript NM_005591.4 (MANE Select); coding-DNA position 1607, C replaced by G.
Protein change: p.Ser536Cys; replaces serine 536 with cysteine.
Molecular consequence: missense variant.
Genome position (GRCh38, 1-based): chr11:94,447,395, G>C on the plus strand (C>G on the coding strand, the complement: MRE11 is on the minus strand). VCF-style: chr11-94447395-G-C. GRCh37 (hg19) VCF-style: chr11-94180561-G-C.
Other names: c.1607C>G, p.Ser536Cys (NM_001330347.2, NM_005590.4); short protein forms S536C.
Identifiers: ClinVar variation 2812172 (VCV002812172.3), dbSNP rs2134909243, ClinGen allele CA382368656.

ClinVar aggregate classification (germline): Uncertain significance (1 of 4 stars; one submission).

Conditions:
Ataxia-telangiectasia-like disorder (ATLD). Identifiers: MedGen C1858391, MONDO:0011457.

Submission:

Labcorp Genetics (formerly Invitae), Labcorp
Classification: Uncertain significance for Ataxia-telangiectasia-like disorder. Last evaluated: 2022-11-04. Review status: criteria provided, single submitter. Criteria: Invitae Variant Classification Sherloc (09022015). Collection method: clinical testing. Allele origin: germline.
Comment: This sequence change replaces serine, which is neutral and polar, with cysteine, which is neutral and slightly polar, at codon 536 of the MRE11 protein (p.Ser536Cys). In summary, the available evidence is currently insufficient to determine the role of this variant in disease. Therefore, it has been classified as a Variant of Uncertain Significance. Algorithms developed to predict the effect of missense changes on protein structure and function are either unavailable or do not agree on the potential impact of this missense change (SIFT: "Deleterious"; PolyPhen-2: "Benign"; Align-GVGD: "Class C0"). This variant has not been reported in the literature in individuals affected with MRE11-related conditions. This variant is not present in population databases (gnomAD no frequency).